The following is an entry in ClinVar:

ClinVar aggregate classification (germline): Uncertain significance (1 of 4 stars; one submission).

Conditions:
Emery-Dreifuss muscular dystrophy 5, autosomal dominant (EDMD5). Also called: EMERY-DREIFUSS MUSCULAR DYSTROPHY 5. Identifiers: Orphanet 261, MedGen C2751805, MONDO:0013072, OMIM 612999.

gnomAD v4.1: 12 of 1,613,968 alleles (0.00074%); highest among the groups gnomAD compares: Non-Finnish European, 0.001%; no homozygotes.

Submission:

Labcorp Genetics (formerly Invitae), Labcorp
Classification: Uncertain significance for Emery-Dreifuss muscular dystrophy 5, autosomal dominant. Last evaluated: 2024-09-28. Review status: criteria provided, single submitter. Criteria: Invitae Variant Classification Sherloc (09022015). Collection method: clinical testing. Allele origin: germline.
Comment: This sequence change replaces threonine, which is neutral and polar, with alanine, which is neutral and non-polar, at codon 5263 of the SYNE2 protein (p.Thr5263Ala). This variant is present in population databases (rs374995948, gnomAD 0.0009%). This variant has not been reported in the literature in individuals affected with SYNE2-related conditions. An algorithm developed to predict the effect of missense changes on protein structure and function (PolyPhen-2) suggests that this variant is likely to be tolerated. In summary, the available evidence is currently insufficient to determine the role of this variant in disease. Therefore, it has been classified as a Variant of Uncertain Significance.

NM_182914.3(SYNE2):c.15787A>G (p.Thr5263Ala)

Gene: SYNE2 (spectrin repeat containing nuclear envelope protein 2; plus strand). Cytogenetic location: 14q23.2.
Variant type: single nucleotide variant.
Coding change: c.15787A>G on transcript NM_182914.3 (MANE Select); coding-DNA position 15787, A replaced by G.
Protein change: p.Thr5263Ala; replaces threonine 5263 with alanine.
Molecular consequence: missense variant.
Genome position (GRCh38, 1-based): chr14:64,152,711, A>G. VCF-style: chr14-64152711-A-G. GRCh37 (hg19) VCF-style: chr14-64619429-A-G.
Other names: c.15787A>G, p.Thr5263Ala (NM_015180.6); short protein forms T5263A.
Identifiers: ClinVar variation 3664650 (VCV003664650.2).